The following is an entry in ClinVar:

NM_000352.6(ABCC8):c.2835_2838del (p.Arg946fs)

Gene: ABCC8 (ATP binding cassette subfamily C member 8; minus strand). Cytogenetic location: 11p15.1.
Variant type: Microsatellite.
Coding change: c.2835_2838del on transcript NM_000352.6 (MANE Select); coding-DNA positions 2835 to 2838, 4 bases deleted (GAGA; older notation c.2835_2838delGAGA).
Protein change: p.Arg946fs; shifts the reading frame from arginine 946.
Molecular consequence: frameshift variant. On other transcripts: non-coding transcript variant (1).
Genome position (GRCh38, 1-based): chr11:17,407,436-17,407,439, TCTC deleted on the plus strand (GAGA on the coding strand, the reverse complement: ABCC8 is on the minus strand); deleting any 4 consecutive bases within chr11:17,407,436-17,407,442 gives the same sequence; the c. name uses the placement nearest the transcript's 3' end. VCF-style (leftmost placement, unchanged base first): chr11-17407435-TTCTC-T. GRCh37 (hg19) VCF-style: chr11-17428982-TTCTC-T.
Other names: c.2835_2838del (NM_000352.3); c.2838_2841del, p.Arg947fs (NM_001287174.3); c.2901_2904del, p.Arg968fs (NM_001351295.2); c.2835_2838del, p.Arg946fs (NM_001351296.2); c.2832_2835del, p.Arg945fs (NM_001351297.2); c.2835_2838delGAGA (NM_000352.3); short protein forms R968fs, R947fs, R945fs, R946fs.
Identifiers: ClinVar variation 556981 (VCV000556981.11), dbSNP rs1554913069, ClinGen allele CA658822178.

ClinVar aggregate classification (germline): Pathogenic. Review status: criteria provided, multiple submitters, no conflicts (2 of 4 stars). 7 submissions from 6 submitters: Pathogenic (3). 4 of the submissions do not count toward it. Last evaluated 2023-09-08.

Conditions:
Maturity-onset diabetes of the young (MODY). Also called: Maturity onset diabetes mellitus in young. Identifiers: Orphanet 552, MedGen C0342276, MONDO:0018911, HP:0004904.
Neonatal diabetes mellitus (NDM). Identifiers: Orphanet 224, MedGen C0158981, MONDO:0016391.
Hyperinsulinemic hypoglycemia, familial, 1 (HHF1). Also called: Persistent hyperinsulinemic hypoglycemia of infancy; HYPERINSULINISM, FAMILIAL, WITH PANCREATIC NESIDIOBLASTOSIS; HYPOGLYCEMIA, HYPERINSULINEMIC, OF INFANCY; NESIDIOBLASTOSIS OF PANCREAS; Persistent Hyperinsulinemia Hypoglycemia of Infancy. Identifiers: Orphanet 276575, Orphanet 276598, MedGen C2931832, MONDO:0009734, OMIM 256450.

Submissions (7):

Labcorp Genetics (formerly Invitae), Labcorp
Classification: Pathogenic. Last evaluated: 2023-09-08. Review status: criteria provided, single submitter. Criteria: Invitae Variant Classification Sherloc (09022015). Collection method: clinical testing. Allele origin: germline.
Comment: This premature translational stop signal has been observed in individual(s) with congenital hyperinsulinism (PMID: 14715863, 23275527). For these reasons, this variant has been classified as Pathogenic. ClinVar contains an entry for this variant (Variation ID: 556981). This variant is not present in population databases (gnomAD no frequency). This sequence change creates a premature translational stop signal (p.Arg946Lysfs*95) in the ABCC8 gene. It is expected to result in an absent or disrupted protein product. Loss-of-function variants in ABCC8 are known to be pathogenic (PMID: 20685672, 23345197).

GeneDx
Classification: Pathogenic. Last evaluated: 2022-12-13. Review status: criteria provided, single submitter. Criteria: GeneDx Variant Classification Process June 2021. Collection method: clinical testing. Allele origin: germline. Affected: yes.
Comment: Reported in association with congenital hyperinsulinism (Stanley et al., 2004; Martinez et al., 2016); Frameshift variant predicted to result in protein truncation or nonsense mediated decay in a gene for which loss of function is a known mechanism of disease; Not observed at significant frequency in large population cohorts (gnomAD); This variant is associated with the following publications: (PMID: 23275527, 14715863, 27188453)

Women's Health and Genetics/Laboratory Corporation of America, LabCorp
Classification: Pathogenic for Hyperinsulinemic hypoglycemia, familial, 1. Last evaluated: 2019-11-29. Review status: criteria provided, single submitter. Criteria: LabCorp Variant Classification Summary - May 2015. Collection method: clinical testing. Allele origin: germline.
Comment: Variant summary: ABCC8 c.2835_2838delGAGA (p.Arg946LysfsX95) results in a premature termination codon, predicted to cause a truncation of the encoded protein or absence of the protein due to nonsense mediated decay, which are commonly known mechanisms for disease. Truncations downstream of this position have been classified as pathogenic by our laboratory (c.2992C>T (p.Arg998X), c.3574delG (p.Asp1192fsX16)). The variant was absent in 251486 control chromosomes (gnomAD). c.2835_2838delGAGA has been reported in the literature in individuals affected with Congenital Hyperinsulinism (CH)(Martinez_2016, Snider_2013). These data indicate that the variant is likely to be associated with disease. To our knowledge, no experimental evidence demonstrating an impact on protein function has been reported. A ClinVar submission (evaluation after 2014) cites the variant as likely pathogenic. Based on the evidence outlined above, the variant was classified as pathogenic.

Genetic Services Laboratory, University of Chicago
Classification: Likely pathogenic. Last evaluated: 2022-10-16. Review status: no assertion criteria provided. Collection method: clinical testing. Allele origin: germline. Affected: yes. Not counted in ClinVar's aggregate classification.
Comment: DNA sequence analysis of the ABCC8 gene demonstrated two sequence changes. The first sequence change is a four base pair deletion in exon 24, c.2835_2838del. This likely pathogenic sequence change results in an amino acid frameshift and creates a premature stop codon 95 amino acids downstream of the change , p.Arg946Lysfs*95. This likely pathogenic sequence change is predicted to result in an abnormal transcript, which may be degraded, or may lead to the production of a truncated ABCC8 protein with potentially abnormal function. The c.2835_2838del sequence change has not been described in population databases such as ExAC and gnomAD. This sequence change has been reported in congenital hyperinsulinism (PMID: 14715863). This sequence change is the likely cause of this individual's phenotype, however functional studies have not been performed to prove this conclusively.

Counsyl
Classification: Likely pathogenic for Hyperinsulinemic hypoglycemia, familial, 1. Last evaluated: 2018-03-01. Review status: no assertion criteria provided. Collection method: clinical testing. Allele origin: unknown. Not counted in ClinVar's aggregate classification.

Clinical Genomics, Uppaluri K&H Personalized Medicine Clinic
Classification: Uncertain risk allele for Maturity-onset diabetes of the young. Last evaluated: 2024-05-27. Review status: flagged submission. Criteria: K And H Uppaluri Personalized Medicine Clinic Variant Classification And Assertion Criteria Updated V 2. Collection method: research. Allele origin: unknown. Not counted in ClinVar's aggregate classification.
Comment: This variant is found to be a potent moderate impact variant with a CADD score of 22.8 and sufficient scientific evidence to support gene-disease correlation. However, since this is not a high impact variant and has no variant evidence, this variant is reclassified as Uncertain Risk Allele
ClinVar note: Reason: Outlier claim with insufficient supporting evidence

Clinical Genomics, Uppaluri K&H Personalized Medicine Clinic
Classification: Uncertain risk allele for Neonatal diabetes mellitus. Last evaluated: 2024-05-27. Review status: flagged submission. Criteria: K And H Uppaluri Personalized Medicine Clinic Variant Classification And Assertion Criteria Updated V 2. Collection method: research. Allele origin: unknown. Not counted in ClinVar's aggregate classification.
Comment: This variant is found to be a potent moderate impact, variant with a CADD score of 22.8 and sufficient scientific evidence of gene-disease correlation. However, since this is not a high impact variant and no variant evidence, this variant is reclassified as Uncertain risk allele.
ClinVar note: Reason: Outlier claim with insufficient supporting evidence

Literature cited by the submitters: PubMed 14715863 (cited by 3 submitters); PubMed 23275527 (cited by 3 submitters); PubMed 20685672 (cited by Labcorp Genetics (formerly Invitae), Labcorp); PubMed 23345197 (cited by Labcorp Genetics (formerly Invitae), Labcorp); PubMed 27188453 (cited by Women's Health and Genetics/Laboratory Corporation of America, LabCorp); PubMed 31216263 (cited by Clinical Genomics, Uppaluri K&H Personalized Medicine Clinic); PubMed 38095268 (cited by Clinical Genomics, Uppaluri K&H Personalized Medicine Clinic); PubMed 38513803 (cited by Clinical Genomics, Uppaluri K&H Personalized Medicine Clinic); PubMed 32376986 (cited by Clinical Genomics, Uppaluri K&H Personalized Medicine Clinic); PubMed 20922570 (cited by Clinical Genomics, Uppaluri K&H Personalized Medicine Clinic); PubMed 17389331 (cited by Clinical Genomics, Uppaluri K&H Personalized Medicine Clinic); PubMed 17919176 (cited by Clinical Genomics, Uppaluri K&H Personalized Medicine Clinic); PubMed 21738553 (cited by Clinical Genomics, Uppaluri K&H Personalized Medicine Clinic); PubMed 33013711 (cited by Clinical Genomics, Uppaluri K&H Personalized Medicine Clinic).